The following is an entry in ClinVar:

ClinVar aggregate classification (germline): Pathogenic. Review status: criteria provided, multiple submitters, no conflicts (2 of 4 stars). 2 submissions from 2 submitters: Pathogenic (2). Last evaluated 2026-05-04.

Conditions:
Abetalipoproteinaemia (ABL). Also called: MTP DEFICIENCY; Abetalipoproteinemia; Abetalipoproteinemia neuropathy; Apolipoprotein B deficiency; Congenital betalipoprotein deficiency syndrome. Identifiers: Orphanet 14, MedGen C0000744, MONDO:0008692, OMIM 200100, HP:0008181.

Submissions (2):

Myriad Genetics, Inc.
Classification: Pathogenic for Abetalipoproteinaemia. Last evaluated: 2026-05-04. Review status: criteria provided, single submitter. Criteria: Myriad Autosomal Dominant, Autosomal Recessive and X-Linked Classification Criteria (2023). Collection method: clinical testing. Allele origin: unknown.
Comment: NM_000253.2(MTTP):c.283C>T(Q95*) is expected to be pathogenic in the context of abetalipoproteinemia. This variant is predicted to lead to an abnormal or absent protein product due to the creation of a premature termination codon in MTTP, a gene where loss-of-function variants are known to be pathogenic. Please note: this variant was assessed in the context of healthy population screening.

Labcorp Genetics (formerly Invitae), Labcorp
Classification: Pathogenic. Last evaluated: 2022-02-25. Review status: criteria provided, single submitter. Criteria: Invitae Variant Classification Sherloc (09022015). Collection method: clinical testing. Allele origin: germline.
Comment: This variant has not been reported in the literature in individuals affected with MTTP-related conditions. This sequence change creates a premature translational stop signal (p.Gln95*) in the MTTP gene. It is expected to result in an absent or disrupted protein product. Loss-of-function variants in MTTP are known to be pathogenic (PMID: 8533758, 9671739). This variant is not present in population databases (gnomAD no frequency). For these reasons, this variant has been classified as Pathogenic.

Literature cited by the submitters: PubMed 8533758 (cited by Labcorp Genetics (formerly Invitae), Labcorp); PubMed 9671739 (cited by Labcorp Genetics (formerly Invitae), Labcorp).

NM_001386140.1(MTTP):c.283C>T (p.Gln95Ter)

Gene: MTTP (microsomal triglyceride transfer protein; plus strand). Cytogenetic location: 4q23.
Variant type: single nucleotide variant.
Coding change: c.283C>T on transcript NM_001386140.1 (MANE Select); coding-DNA position 283, C replaced by T.
Protein change: p.Gln95Ter; replaces glutamine 95 with a stop codon.
Molecular consequence: nonsense.
Genome position (GRCh38, 1-based): chr4:99,583,407, C>T. VCF-style: chr4-99583407-C-T. GRCh37 (hg19) VCF-style: chr4-100504564-C-T.
Other names: c.283C>T, p.Gln95Ter (NM_000253.4); c.34C>T, p.Gln12Ter (NM_001300785.2); short protein forms Q12*, Q95*.
Identifiers: ClinVar variation 2103356 (VCV002103356.5), dbSNP rs2476090084, ClinGen allele CA357502070.
Genomic context (GRCh38, chr4:99,583,407, plus strand): 5'-TTAACAGCTTTCTTTCTGTTACTCCAGATGAAGGATGTAAATGTTGAAAATGTGAATCAG[C>T]AGAGAGGAGAGAAGAGCATCTTCAAAGGAAAAAGCCCATCTAAAATAATGGGAAAGGAAA-3'